The following is an entry in ClinVar:

ClinVar aggregate classification (germline): Conflicting classifications of pathogenicity. Review status: criteria provided, conflicting classifications (1 of 4 stars). 2 submissions from 2 submitters: Likely pathogenic (1); Uncertain significance (1). Last evaluated 2025-12-14.

Conditions:
Long QT syndrome (LQTS). Identifiers: MedGen C0023976, MeSH D008133, MONDO:0002442. Disease mechanism: loss of function. Inheritance: Various modes of inheritance.

Allele frequency attached by ClinVar (database versions not stated): gnomAD 0.00001; gnomAD exomes 0.00001; TOPMed 0.00002.
gnomAD v4.1: 15 of 1,612,944 alleles (0.00093%); highest among the groups gnomAD compares: African/African-American, 0.004%; no homozygotes.

Submissions (2):

Labcorp Genetics (formerly Invitae), Labcorp
Classification: Uncertain significance for Long QT syndrome. Last evaluated: 2025-12-14. Review status: criteria provided, single submitter. Criteria: Invitae Variant Classification Sherloc (09022015). Collection method: clinical testing. Allele origin: germline.
Comment: This sequence change replaces threonine, which is neutral and polar, with methionine, which is neutral and non-polar, at codon 372 of the SNTA1 protein (p.Thr372Met). This variant is present in population databases (no rsID available, gnomAD 0.003%). This missense change has been observed in individual(s) with SNTA1-related conditios (PMID: 20009079, 33082985). ClinVar contains an entry for this variant (Variation ID: 1677672). Invitae Evidence Modeling of protein sequence and biophysical properties (such as structural, functional, and spatial information, amino acid conservation, physicochemical variation, residue mobility, and thermodynamic stability) has been performed for this missense variant. However, the output from this modeling did not meet the statistical confidence thresholds required to predict the impact of this variant on SNTA1 protein function. Experimental studies have shown that this missense change affects SNTA1 function (PMID: 20009079). In summary, the available evidence is currently insufficient to determine the role of this variant in disease. Therefore, it has been classified as a Variant of Uncertain Significance.

AiLife Diagnostics
Classification: Likely pathogenic. Last evaluated: 2020-06-15. Review status: criteria provided, single submitter. Criteria: ACMG Guidelines, 2015. Collection method: clinical testing. Allele origin: germline. Affected: yes. Observed: 1 variant allele.

Literature cited by the submitters: PubMed 20009079 (cited by Labcorp Genetics (formerly Invitae), Labcorp and AiLife Diagnostics); PubMed 33082985 (cited by Labcorp Genetics (formerly Invitae), Labcorp); PubMed 31043699 (cited by AiLife Diagnostics).

NM_003098.3(SNTA1):c.1115C>T (p.Thr372Met)

Gene: SNTA1 (syntrophin alpha 1; minus strand). Cytogenetic location: 20q11.21.
Variant type: single nucleotide variant.
Coding change: c.1115C>T on transcript NM_003098.3 (MANE Select); coding-DNA position 1115, C replaced by T.
Protein change: p.Thr372Met; replaces threonine 372 with methionine.
Molecular consequence: missense variant.
Genome position (GRCh38, 1-based): chr20:33,410,257, G>A on the plus strand (C>T on the coding strand, the complement: SNTA1 is on the minus strand). VCF-style: chr20-33410257-G-A. GRCh37 (hg19) VCF-style: chr20-31998063-G-A.
Other names: short protein forms T372M.
Identifiers: ClinVar variation 1677672 (VCV001677672.2), dbSNP rs1275683627, ClinGen allele CA408630725.